The following is an entry in ClinVar:

ClinVar aggregate classification (germline): Uncertain significance (1 of 4 stars; one submission).

Conditions:
Oto-palato-digital syndrome, type II (OPD2). Also called: Otopalatodigital Syndrome Type 2 (FLNA-OPD2); FACIOPALATOOSSEOUS SYNDROME; OPD II SYNDROME; Otopalatodigital Syndrome, Type II. Identifiers: Orphanet 669, Orphanet 90652, MedGen C1844696, MONDO:0010571, OMIM 304120.
Heterotopia, periventricular, X-linked dominant (PVNH1). Also called: PERIVENTRICULAR NODULAR HETEROTOPIA 1; X-linked periventricular heterotopia; PERIVENTRICULAR NODULAR HETEROTOPIA 4; HETEROTOPIA, PERIVENTRICULAR, 1. Identifiers: Orphanet 2149, Orphanet 82004, MedGen C1848213, MONDO:0010233, OMIM 300049.
Melnick-Needles syndrome (MNS). Also called: Melnick-Needles Syndrome (FLNA-MNS); MELNICK-NEEDLES OSTEODYSPLASTY; OSTEODYSPLASTY OF MELNICK AND NEEDLES. Identifiers: Orphanet 2484, MedGen C0025237, MONDO:0010650, OMIM 309350.
Frontometaphyseal dysplasia (FMD1). Identifiers: Orphanet 1826, MedGen C0265293, MONDO:0015942.

Submission:

Labcorp Genetics (formerly Invitae), Labcorp
Classification: Uncertain significance for Oto-palato-digital syndrome, type II; Heterotopia, periventricular, X-linked dominant; Frontometaphyseal dysplasia; Melnick-Needles syndrome. Last evaluated: 2023-11-07. Review status: criteria provided, single submitter. Criteria: Invitae Variant Classification Sherloc (09022015). Collection method: clinical testing. Allele origin: germline.
Comment: This sequence change replaces proline, which is neutral and non-polar, with serine, which is neutral and polar, at codon 1982 of the FLNA protein (p.Pro1982Ser). This variant is not present in population databases (gnomAD no frequency). This variant has not been reported in the literature in individuals affected with FLNA-related conditions. Advanced modeling of protein sequence and biophysical properties (such as structural, functional, and spatial information, amino acid conservation, physicochemical variation, residue mobility, and thermodynamic stability) performed at Invitae indicates that this missense variant is not expected to disrupt FLNA protein function with a negative predictive value of 95%. In summary, the available evidence is currently insufficient to determine the role of this variant in disease. Therefore, it has been classified as a Variant of Uncertain Significance.

NM_001110556.2(FLNA):c.5968C>T (p.Pro1990Ser)

Gene: FLNA (filamin A; minus strand). Cytogenetic location: Xq28.
Variant type: single nucleotide variant.
Coding change: c.5968C>T on transcript NM_001110556.2 (MANE Select); coding-DNA position 5968, C replaced by T.
Protein change: p.Pro1990Ser; replaces proline 1990 with serine.
Molecular consequence: missense variant.
Genome position (GRCh38, 1-based): chrX:154,353,350, G>A on the plus strand (C>T on the coding strand, the complement: FLNA is on the minus strand). VCF-style: chrX-154353350-G-A. GRCh37 (hg19) VCF-style: chrX-153581718-G-A.
Other names: c.5944C>T, p.Pro1982Ser (NM_001456.4); short protein forms P1990S, P1982S.
Identifiers: ClinVar variation 2928508 (VCV002928508.3), dbSNP rs2522723936, ClinGen allele CA415197409.